The following is an entry in ClinVar:

ClinVar aggregate classification (germline): Conflicting classifications of pathogenicity. Review status: criteria provided, conflicting classifications (1 of 4 stars). 2 submissions from 2 submitters: Uncertain significance (1); Likely benign (1). Last evaluated 2024-12-30.

Allele frequency attached by ClinVar (database versions not stated): gnomAD exomes 0.00014; 1000 Genomes Project 30x 0.00016; ExAC 0.00017; 1000 Genomes Project 0.00020; gnomAD 0.00049 and 0.00056; TOPMed 0.00071; ESP Exome Variant Server 0.00123.
gnomAD v4.1: 168 of 1,613,960 alleles (0.01%); highest among the groups gnomAD compares: African/African-American, 0.17%; no homozygotes.

Submissions (2):

Athena Diagnostics
Classification: Uncertain significance. Last evaluated: 2024-12-30. Review status: criteria provided, single submitter. Criteria: Athena Diagnostics Criteria. Collection method: clinical testing. Allele origin: unknown.
Comment: Available data are insufficient to determine the clinical significance of the variant at this time. The frequency of this variant in the general population is higher than would generally be expected for pathogenic variants in this gene. Polyphen and MutationTaster predict this amino acid change may be benign.

CeGaT Center for Human Genetics Tuebingen
Classification: Likely benign. Last evaluated: 2023-11-01. Review status: criteria provided, single submitter. Criteria: CeGaT Center For Human Genetics Tuebingen Variant Classification Criteria Version 2. Collection method: clinical testing. Allele origin: germline. Affected: yes. Observed: 1 variant allele.
Comment: ANO10: BP4

NM_018075.5(ANO10):c.566G>A (p.Arg189Gln)

Gene: ANO10 (anoctamin 10; minus strand). Cytogenetic location: 3p22.1.
Variant type: single nucleotide variant.
Coding change: c.566G>A on transcript NM_018075.5 (MANE Select); coding-DNA position 566, G replaced by A.
Protein change: p.Arg189Gln; replaces arginine 189 with glutamine.
Molecular consequence: missense variant.
Genome position (GRCh38, 1-based): chr3:43,580,379, C>T on the plus strand (G>A on the coding strand, the complement: ANO10 is on the minus strand). VCF-style: chr3-43580379-C-T. GRCh37 (hg19) VCF-style: chr3-43621871-C-T.
Other names: c.566G>A, p.Arg189Gln (NM_001204831.3, NM_001204834.3, NM_001346463.2 and 4 more transcripts); c.368G>A, p.Arg123Gln (NM_001204832.3, NM_001346466.2, NM_001346469.2); c.233G>A, p.Arg78Gln (NM_001204833.3); short protein forms R123Q, R189Q, R78Q.
Identifiers: ClinVar variation 994502 (VCV000994502.26), dbSNP rs148873732, ClinGen allele CA2341014.